The following is an entry in ClinVar:

NM_000440.3(PDE6A):c.1040C>T (p.Pro347Leu)

Gene: PDE6A (phosphodiesterase 6A; minus strand). Cytogenetic location: 5q32.
Variant type: single nucleotide variant.
Coding change: c.1040C>T on transcript NM_000440.3 (MANE Select); coding-DNA position 1040, C replaced by T.
Protein change: p.Pro347Leu; replaces proline 347 with leucine.
Molecular consequence: missense variant.
Genome position (GRCh38, 1-based): chr5:149,907,337, G>A on the plus strand (C>T on the coding strand, the complement: PDE6A is on the minus strand). VCF-style: chr5-149907337-G-A. GRCh37 (hg19) VCF-style: chr5-149286900-G-A.
Other names: short protein forms P347L.
Identifiers: ClinVar variation 844857 (VCV000844857.10), dbSNP rs144824223, ClinGen allele CA3504826.
Genomic context (GRCh38, chr5:149,907,337, plus strand): 5'-CCAAAACTCTCCCCCTTCAAAGTTATATTACTTACCAGGCCATTCTGGGCAACATAAGCT[G>A]GGAGACCGCTTACTAAAGCCCAATGGTCAGGAGGTGGATTCCTGTGAAGGCCAAAGACAA-3'
Protein context (NP_000431.2, residues 337-357): PDHWALVSGL[Pro347Leu]AYVAQNGLIC

ClinVar aggregate classification (germline): Uncertain significance. Review status: criteria provided, multiple submitters, no conflicts (2 of 4 stars). 2 submissions from 2 submitters: Uncertain significance (2). Last evaluated 2024-04-17.

Allele frequency attached by ClinVar (database versions not stated): gnomAD exomes 0.00002 and 0.00004; ExAC 0.00007; ESP Exome Variant Server 0.00008; TOPMed 0.00018; 1000 Genomes Project 0.00020; gnomAD 0.00020 and 0.00021; 1000 Genomes Project 30x 0.00031.
gnomAD v4.1: 62 of 1,613,848 alleles (0.0038%); highest among the groups gnomAD compares: African/African-American, 0.075%; no homozygotes.

Submissions (2):

Labcorp Genetics (formerly Invitae), Labcorp
Classification: Uncertain significance. Last evaluated: 2024-04-17. Review status: criteria provided, single submitter. Criteria: Invitae Variant Classification Sherloc (09022015). Collection method: clinical testing. Allele origin: germline.
Comment: This sequence change replaces proline, which is neutral and non-polar, with leucine, which is neutral and non-polar, at codon 347 of the PDE6A protein (p.Pro347Leu). The frequency data for this variant in the population databases is considered unreliable, as metrics indicate poor data quality at this position in the gnomAD database. This variant has not been reported in the literature in individuals affected with PDE6A-related conditions. ClinVar contains an entry for this variant (Variation ID: 844857). Advanced modeling of protein sequence and biophysical properties (such as structural, functional, and spatial information, amino acid conservation, physicochemical variation, residue mobility, and thermodynamic stability) performed at Invitae indicates that this missense variant is not expected to disrupt PDE6A protein function with a negative predictive value of 80%. In summary, the available evidence is currently insufficient to determine the role of this variant in disease. Therefore, it has been classified as a Variant of Uncertain Significance.

Blueprint Genetics
Classification: Uncertain significance. Last evaluated: 2020-02-03. Review status: criteria provided, single submitter. Criteria: ACMG Guidelines, 2015. Collection method: clinical testing. Allele origin: germline.